The following is an entry in ClinVar:

NM_007294.4(BRCA1):c.5277+764G>A

Gene: BRCA1 (BRCA1 DNA repair associated; minus strand). Cytogenetic location: 17q21.31.
Variant type: single nucleotide variant.
Coding change: c.5277+764G>A on transcript NM_007294.4 (MANE Select); 764 bases into the intron after coding-DNA position 5277, G replaced by A.
Molecular consequence: intron variant.
Genome position (GRCh38, 1-based): chr17:43,056,288, C>T on the plus strand (G>A on the coding strand, the complement: BRCA1 is on the minus strand). VCF-style: chr17-43056288-C-T. GRCh37 (hg19) VCF-style: chr17-41208305-C-T.
Other names: IVS 20+764G>A; c.1824+764G>A (NM_001408458.1, NM_001408461.1, NM_001408464.1 and 7 more transcripts); c.4386+764G>A (NM_001407967.1); c.4896+764G>A (NM_001407959.1); c.5010+764G>A (NM_001407931.1, NM_001407932.1, NM_001407928.1 and 4 more transcripts); c.5133+764G>A (NM_001407747.1, NM_001407745.1, NM_001407737.1 and 21 more transcripts); c.4893+764G>A (NM_001407962.1, NM_001407960.1); c.1464+764G>A (NM_001408512.1); and 73 more.
Identifiers: ClinVar variation 209286 (VCV000209286.2), dbSNP rs112757145, ClinGen allele CA276258.

ClinVar aggregate classification (germline): Benign (3 of 4 stars; one submission).

Conditions:
Breast-ovarian cancer, familial, susceptibility to, 1 (BROVCA1). Also called: BRCA1 Hereditary Breast and Ovarian Cancer; OVARIAN CANCER, SUSCEPTIBILITY TO. Identifiers: Orphanet 145, MedGen C2676676, MONDO:0011450, OMIM 604370. Disease mechanism: loss of function.

Allele frequency attached by ClinVar (database versions not stated): 1000 Genomes Project 30x 0.00406; gnomAD 0.00472 and 0.00510; 1000 Genomes Project 0.00499; TOPMed 0.00522.
gnomAD v4.1: 706 of 151,788 alleles (0.47%); highest among the groups gnomAD compares: African/African-American, 1.6%; 10 homozygotes.

Submission:

Evidence-based Network for the Interpretation of Germline Mutant Alleles (ENIGMA)
Classification: Benign for Breast-ovarian cancer, familial 1. Last evaluated: 2015-01-12. Review status: reviewed by expert panel. Criteria: ENIGMA BRCA1/2 Classification Criteria (2015). Collection method: curation. Allele origin: germline.
Comment: Class 1 not pathogenic based on frequency >1% in an outbred sampleset. Frequency 0.02033 (African), derived from 1000 genomes (2012-04-30).